The following is an entry in ClinVar:

NM_002471.4(MYH6):c.736-9C>T

Gene: MYH6 (myosin heavy chain 6; minus strand). Cytogenetic location: 14q11.2.
Variant type: single nucleotide variant.
Coding change: c.736-9C>T on transcript NM_002471.4 (MANE Select); 9 bases into the intron before coding-DNA position 736, C replaced by T.
Molecular consequence: intron variant.
Genome position (GRCh38, 1-based): chr14:23,403,787, G>A on the plus strand (C>T on the coding strand, the complement: MYH6 is on the minus strand). VCF-style: chr14-23403787-G-A. GRCh37 (hg19) VCF-style: chr14-23872996-G-A.
Identifiers: ClinVar variation 227593 (VCV000227593.16), dbSNP rs748594445, ClinGen allele CA10576948.
Genomic context (GRCh38, chr14:23,403,787, plus strand): 5'-CTGCAGAAGCCAGCTTTCCAGTGGCCCCAAAGTGGATCCTAATGAATTTCCCCTGGGGAC[G>A]AATGGGACAGAGTGAGGGAACTGGCGGGAAGGACAGAGTGAAATCCTGGCCCTCTGTTCA-3'

ClinVar aggregate classification (germline): Likely benign. Review status: criteria provided, multiple submitters, no conflicts (2 of 4 stars). 4 submissions from 4 submitters: Likely benign (4). Last evaluated 2025-12-29.

Conditions:
Hypertrophic cardiomyopathy 14. Identifiers: MedGen C2750467, MONDO:0013197, OMIM 613251.

Allele frequency attached by ClinVar (database versions not stated): TOPMed 0.00002; gnomAD 0.00003.
gnomAD v4.1: 27 of 1,606,914 alleles (0.0017%); highest among the groups gnomAD compares: African/African-American, 0.019%; 1 homozygote.

Submissions (4):

Labcorp Genetics (formerly Invitae), Labcorp
Classification: Likely benign for Hypertrophic cardiomyopathy 14. Last evaluated: 2025-12-29. Review status: criteria provided, single submitter. Criteria: Invitae Variant Classification Sherloc (09022015). Collection method: clinical testing. Allele origin: germline.

Blueprint Genetics
Classification: Likely benign. Last evaluated: 2024-05-23. Review status: criteria provided, single submitter. Criteria: ACMG Guidelines, 2015. Collection method: clinical testing. Allele origin: germline.

GeneDx
Classification: Likely benign. Last evaluated: 2020-07-15. Review status: criteria provided, single submitter. Criteria: GeneDx Variant Classification Process June 2021. Collection method: clinical testing. Allele origin: germline. Affected: yes.

Laboratory for Molecular Medicine, Mass General Brigham Personalized Medicine
Classification: Likely benign. Last evaluated: 2014-12-18. Review status: criteria provided, single submitter. Criteria: LMM Criteria. Collection method: clinical testing. Allele origin: germline. Observed: 1 variant allele.
Comment: c.736-9C>T in intron 8 of MYH6: This variant is not expected to have clinical si gnificance because a C>T change at this position does not diverge from the splic e consensus sequence and is therefore unlikely to impact splicing.